The following is an entry in ClinVar:

NM_020717.5(SHROOM4):c.1859T>C (p.Val620Ala)

Gene: SHROOM4 (shroom family member 4; minus strand). Cytogenetic location: Xp11.22.
Variant type: single nucleotide variant.
Coding change: c.1859T>C on transcript NM_020717.5 (MANE Select); coding-DNA position 1859, T replaced by C.
Protein change: p.Val620Ala; replaces valine 620 with alanine.
Molecular consequence: missense variant. On other transcripts: non-coding transcript variant (4).
Genome position (GRCh38, 1-based): chrX:50,634,214, A>G on the plus strand (T>C on the coding strand, the complement: SHROOM4 is on the minus strand). VCF-style: chrX-50634214-A-G. GRCh37 (hg19) VCF-style: chrX-50377214-A-G.
Other names: short protein forms V620A.
Identifiers: ClinVar variation 1029771 (VCV001029771.2), dbSNP rs1931218179, ClinGen allele CA413118703.

ClinVar aggregate classification (germline): Uncertain significance. Review status: criteria provided, multiple submitters, no conflicts (2 of 4 stars). 2 submissions from 2 submitters: Uncertain significance (2). Last evaluated 2025-10-07.

Conditions:
Intellectual developmental disorder, X-linked, syndromic, Stocco dos Santos type. Also called: STOCCO DOS SANTOS X-LINKED MENTAL RETARDATION SYNDROME; Stocco dos Santos syndrome; X-linked intellectual disability, Stocco dos Santos type. Identifiers: Orphanet 85288, MedGen C1845530, MONDO:0010325, OMIM 300434.

Allele frequency attached by ClinVar (database versions not stated): gnomAD exomes 0.00001.
gnomAD v4.1: 4 of 1,211,551 alleles (0.00033%); highest among the groups gnomAD compares: Non-Finnish European, 0.00045%; no homozygotes.

Submissions (2):

Ambry Genetics
Classification: Uncertain significance. Last evaluated: 2025-10-07. Review status: criteria provided, single submitter. Criteria: Ambry Variant Classification Scheme 2023. Collection method: clinical testing. Allele origin: germline.

Baylor Genetics
Classification: Uncertain significance for Intellectual developmental disorder, X-linked, syndromic, Stocco dos Santos type. Last evaluated: 2020-02-04. Review status: criteria provided, single submitter. Criteria: ACMG Guidelines, 2015. Collection method: clinical testing. Allele origin: unknown. Affected: yes.
Comment: This variant was determined to be of uncertain significance according to ACMG Guidelines, 2015 [PMID:25741868].